The following is an entry in ClinVar:

ClinVar aggregate classification (germline): Uncertain significance (1 of 4 stars; one submission).

Conditions:
Chédiak-Higashi syndrome (CHS). Also called: Chediak-Higashi Syndrome. Identifiers: Orphanet 167, MedGen C0007965, MONDO:0008963, OMIM 214500.

Allele frequency attached by ClinVar (database versions not stated): gnomAD exomes below 0.00001; ExAC 0.00001.
gnomAD v4.1: 2 of 1,613,400 alleles (0.00012%); highest among the groups gnomAD compares: African/African-American, 0.0013%; no homozygotes.

Submission:

Labcorp Genetics (formerly Invitae), Labcorp
Classification: Uncertain significance for Chédiak-Higashi syndrome. Last evaluated: 2022-05-08. Review status: criteria provided, single submitter. Criteria: Invitae Variant Classification Sherloc (09022015). Collection method: clinical testing. Allele origin: germline.
Comment: In summary, the available evidence is currently insufficient to determine the role of this variant in disease. Therefore, it has been classified as a Variant of Uncertain Significance. Algorithms developed to predict the effect of missense changes on protein structure and function are either unavailable or do not agree on the potential impact of this missense change (SIFT: "Tolerated"; PolyPhen-2: "Possibly Damaging"; Align-GVGD: "Class C0"). This variant has not been reported in the literature in individuals affected with LYST-related conditions. This variant is present in population databases (rs749330732, gnomAD 0.0009%). This sequence change replaces asparagine, which is neutral and polar, with histidine, which is basic and polar, at codon 2033 of the LYST protein (p.Asn2033His).

NM_000081.4(LYST):c.6097A>C (p.Asn2033His)

Gene: LYST (lysosomal trafficking regulator; minus strand). Cytogenetic location: 1q42.3.
Variant type: single nucleotide variant.
Coding change: c.6097A>C on transcript NM_000081.4 (MANE Select); coding-DNA position 6097, A replaced by C.
Protein change: p.Asn2033His; replaces asparagine 2033 with histidine.
Molecular consequence: missense variant.
Genome position (GRCh38, 1-based): chr1:235,766,103, T>G on the plus strand (A>C on the coding strand, the complement: LYST is on the minus strand). VCF-style: chr1-235766103-T-G. GRCh37 (hg19) VCF-style: chr1-235929403-T-G.
Other names: c.6097A>C, p.Asn2033His (NM_001301365.1); short protein forms N2033H.
Identifiers: ClinVar variation 2135636 (VCV002135636.4), dbSNP rs749330732, ClinGen allele CA1466460.
Genomic context (GRCh38, chr1:235,766,103, plus strand): 5'-AAATAGCCATGATCTAACAAAAATGATTATACCTACCTATGTGCAAAGAAAAGTAGAAGT[T>G]CGTGGGATTGTGACAAACGTAAGTATTAGTAGGAGGGTGAACTGCTAAAAGGAAATTGAA-3'
Protein context (NP_000072.2, residues 2023-2043): TNTYVCHNPT[Asn2033His]FYFSLHIDGK